The following is an entry in ClinVar:

ClinVar aggregate classification (germline): Uncertain significance (1 of 4 stars; one submission).

Allele frequency attached by ClinVar (database versions not stated): gnomAD exomes below 0.00001.
gnomAD v4.1: 1 of 1,614,146 alleles (0.000062%); highest among the groups gnomAD compares: Non-Finnish European, 0.000085%; no homozygotes.

Submission:

Labcorp Genetics (formerly Invitae), Labcorp
Classification: Uncertain significance. Last evaluated: 2022-10-13. Review status: criteria provided, single submitter. Criteria: Invitae Variant Classification Sherloc (09022015). Collection method: clinical testing. Allele origin: germline.
Comment: This sequence change replaces threonine, which is neutral and polar, with alanine, which is neutral and non-polar, at codon 396 of the TRAF3IP1 protein (p.Thr396Ala). This variant is not present in population databases (gnomAD no frequency). This variant has not been reported in the literature in individuals affected with TRAF3IP1-related conditions. ClinVar contains an entry for this variant (Variation ID: 1015383). Algorithms developed to predict the effect of missense changes on protein structure and function output the following: SIFT: "Tolerated"; PolyPhen-2: "Benign"; Align-GVGD: "Class C0". The alanine amino acid residue is found in multiple mammalian species, which suggests that this missense change does not adversely affect protein function. Algorithms developed to predict the effect of sequence changes on RNA splicing suggest that this variant may disrupt the consensus splice site. In summary, the available evidence is currently insufficient to determine the role of this variant in disease. Therefore, it has been classified as a Variant of Uncertain Significance.

NM_015650.4(TRAF3IP1):c.1186A>G (p.Thr396Ala)

Gene: TRAF3IP1 (TRAF3 interacting protein 1; plus strand). Cytogenetic location: 2q37.3.
Variant type: single nucleotide variant.
Coding change: c.1186A>G on transcript NM_015650.4 (MANE Select); coding-DNA position 1186, A replaced by G.
Protein change: p.Thr396Ala; replaces threonine 396 with alanine.
Molecular consequence: missense variant. On other transcripts: intron variant (1).
Genome position (GRCh38, 1-based): chr2:238,344,523, A>G. VCF-style: chr2-238344523-A-G. GRCh37 (hg19) VCF-style: chr2-239253164-A-G.
Other names: c.1064-2932A>G (NM_001139490.1); short protein forms T396A.
Identifiers: ClinVar variation 1015383 (VCV001015383.6), dbSNP rs1698801280, ClinGen allele CA351250958.